The following is an entry in ClinVar:

ClinVar aggregate classification (germline): Benign. Review status: criteria provided, single submitter (1 of 4 stars). 2 submissions from 2 submitters: Benign (1). 1 of the submissions does not count toward it. Last evaluated 2024-07-01.

Conditions:
PTPRT-related disorder. Also called: PTPRT-related condition.

Allele frequency attached by ClinVar (database versions not stated): 1000 Genomes Project 30x 0.00640; 1000 Genomes Project 0.00659; ESP Exome Variant Server 0.00974.
gnomAD v4.1: 17,072 of 1,613,672 alleles (1.1%); highest among the groups gnomAD compares: Middle Eastern, 4.1%; 133 homozygotes.

Submissions (2):

CeGaT Center for Human Genetics Tuebingen
Classification: Benign. Last evaluated: 2024-07-01. Review status: criteria provided, single submitter. Criteria: CeGaT Center For Human Genetics Tuebingen Variant Classification Criteria Version 2. Collection method: clinical testing. Allele origin: germline. Affected: yes. Observed: 1 variant allele.
Comment: PTPRT: BP4, BP7, BS1, BS2

PreventionGenetics, part of Exact Sciences
Classification: Benign for PTPRT-related condition. Last evaluated: 2019-02-21. Review status: no assertion criteria provided. Collection method: clinical testing. Allele origin: germline. Not counted in ClinVar's aggregate classification.
Comment: This variant is classified as benign based on ACMG/AMP sequence variant interpretation guidelines (Richards et al. 2015 PMID: 25741868, with internal and published modifications).

NM_007050.6(PTPRT):c.1176C>T (p.Asn392=)

Gene: PTPRT (protein tyrosine phosphatase receptor type T; minus strand). Cytogenetic location: 20q12.
Variant type: single nucleotide variant.
Coding change: c.1176C>T on transcript NM_007050.6 (MANE Select); coding-DNA position 1176, C replaced by T.
Protein change: p.Asn392=; no amino-acid change (asparagine 392 retained).
Molecular consequence: synonymous variant.
Genome position (GRCh38, 1-based): chr20:42,472,540, G>A on the plus strand (C>T on the coding strand, the complement: PTPRT is on the minus strand). VCF-style: chr20-42472540-G-A. GRCh37 (hg19) VCF-style: chr20-41101180-G-A.
Other names: c.1176C>T, p.Asn392= (NM_001394024.1, NM_001394025.1, NM_001394026.1 and 1 more transcripts).
Identifiers: ClinVar variation 3056949 (VCV003056949.18), dbSNP rs41279258, ClinGen allele CA9864634.